The following is an entry in ClinVar:

ClinVar aggregate classification (germline): Uncertain significance (1 of 4 stars; one submission).

Conditions:
Dilated cardiomyopathy 1G (CMD1G). Identifiers: Orphanet 154, MedGen C1858763, MONDO:0011400, OMIM 604145.
Autosomal recessive limb-girdle muscular dystrophy type 2J (LGMDR10). Also called: MUSCULAR DYSTROPHY, LIMB-GIRDLE, AUTOSOMAL RECESSIVE 10; Limb-girdle muscular dystrophy, type 2J. Identifiers: Orphanet 140922, MedGen C1837342, MONDO:0012127, OMIM 608807.

Submission:

Labcorp Genetics (formerly Invitae), Labcorp
Classification: Uncertain significance for Dilated cardiomyopathy 1G; Autosomal recessive limb-girdle muscular dystrophy type 2J. Last evaluated: 2022-05-04. Review status: criteria provided, single submitter. Criteria: Invitae Variant Classification Sherloc (09022015). Collection method: clinical testing. Allele origin: germline.
Comment: Experimental studies and prediction algorithms are not available or were not evaluated, and the functional significance of this variant is currently unknown. This variant is located in the M band of TTN (PMID: 25589632). Variants in this region may be relevant for neuromuscular disorders, but have not been definitively shown to cause cardiomyopathy (PMID: 23975875). In summary, the available evidence is currently insufficient to determine the role of this variant in disease. Therefore, it has been classified as a Variant of Uncertain Significance. This variant has not been reported in the literature in individuals affected with TTN-related conditions. This variant is not present in population databases (gnomAD no frequency). This sequence change replaces aspartic acid, which is acidic and polar, with tyrosine, which is neutral and polar, at codon 34328 of the TTN protein (p.Asp34328Tyr).

Literature cited by the submitters: PubMed 25589632; PubMed 23975875.

NM_001267550.2(TTN):c.102982G>T (p.Asp34328Tyr)

Genes: TTN (titin; minus strand), TTN-AS1 (TTN antisense RNA 1; plus strand). Cytogenetic location: 2q31.2.
Variant type: single nucleotide variant.
Coding change: c.102982G>T on transcript NM_001267550.2 (MANE Select); coding-DNA position 102982, G replaced by T.
Protein change: p.Asp34328Tyr; replaces aspartic acid 34328 with tyrosine.
Molecular consequence: missense variant.
Genome position (GRCh38, 1-based): chr2:178,533,633, C>A on the plus strand (G>T on the coding strand, the complement: TTN is on the minus strand). VCF-style: chr2-178533633-C-A. GRCh37 (hg19) VCF-style: chr2-179398360-C-A.
Other names: c.98059G>T, p.Asp32687Tyr (NM_001256850.1); c.75787G>T, p.Asp25263Tyr (NM_003319.4); c.95278G>T, p.Asp31760Tyr (NM_133378.4); c.76162G>T, p.Asp25388Tyr (NM_133432.3); c.76363G>T, p.Asp25455Tyr (NM_133437.4); short protein forms D25263Y, D25455Y, D31760Y, D25388Y, D32687Y, D34328Y.
Identifiers: ClinVar variation 2133906 (VCV002133906.4), dbSNP rs2468501728, ClinGen allele CA349415616.
Genomic context (GRCh38, chr2:178,533,633, plus strand): 5'-GCTTTGCTTTACAGCTGTCTTCACCATATTTGTTCCTTGCCACAACAGTATATTCAGCGT[C>A]ATCATCTGTAGTGACACTGTTGATTGTTAATTGGTAAAGACCCTTGTCTGACTCAAATGT-3'
Protein context (NP_001254479.2, residues 34318-34338): LTINSVTTDD[Asp34328Tyr]AEYTVVARNK